The following is an entry in ClinVar:

NM_000038.6(APC):c.834+6211G>T

Gene: APC (APC regulator of WNT signaling pathway; plus strand). Cytogenetic location: 5q22.2.
Variant type: single nucleotide variant.
Coding change: c.834+6211G>T on transcript NM_000038.6 (MANE Select); 6211 bases into the intron after coding-DNA position 834, G replaced by T.
Molecular consequence: intron variant.
Genome position (GRCh38, 1-based): chr5:112,807,594, G>T. VCF-style: chr5-112807594-G-T. GRCh37 (hg19) VCF-style: chr5-112143291-G-T.
Other names: c.834+6211G>T (NM_001354895.2, NM_001127510.3, NM_001354896.2 and 1 more transcripts); c.864+6211G>T (NM_001354897.2, NM_001354902.2); c.780+6211G>T (NM_001127511.3); c.759+6211G>T (NM_001354898.2, NM_001354904.2); c.-201-2532G>T (NM_001354906.2); c.750+6211G>T (NM_001354899.2); c.657+6211G>T (NM_001354900.2, NM_001354901.2, NM_001354905.2).
Identifiers: ClinVar variation 82534 (VCV000082534.2), dbSNP rs75658020, ClinGen allele CA014997.

ClinVar aggregate classification (germline): other (0 of 4 stars; one submission).

Conditions:
Familial colorectal cancer. Identifiers: MedGen CN280943, MONDO:0023113. Disease mechanism: loss of function.

Submission:

Systems Biology Platform Zhejiang California International NanoSystems Institute
Classification: other for Familial colorectal cancer. Review status: no assertion criteria provided. Collection method: not provided. Allele origin: unknown.
ClinVar note: Converted during submission from cancer to other.